The following is an entry in ClinVar:

ClinVar aggregate classification (germline): Conflicting classifications of pathogenicity. Review status: criteria provided, conflicting classifications (1 of 4 stars). 3 submissions from 3 submitters: Uncertain significance (1); Likely benign (2). Last evaluated 2026-09-25.

Conditions:
A2ML1-related disorder. Also called: A2ML1-related condition.

Allele frequency attached by ClinVar (database versions not stated): 1000 Genomes Project 0.00060; 1000 Genomes Project 30x 0.00078; gnomAD exomes 0.00002 and 0.00006; ExAC 0.00008; gnomAD 0.00021 and 0.00022; TOPMed 0.00023; ESP Exome Variant Server 0.00041.
gnomAD v4.1: 57 of 1,613,896 alleles (0.0035%); highest among the groups gnomAD compares: African/African-American, 0.067%; no homozygotes.

Submissions (3):

PreventionGenetics, part of Exact Sciences
Classification: Likely benign for A2ML1-related condition. Last evaluated: 2026-09-25. Review status: criteria provided, single submitter. Criteria: ACMG Guidelines, 2015. Collection method: clinical testing. Allele origin: germline.
Comment: This variant is classified as likely benign based on ACMG/AMP sequence variant interpretation guidelines (Richards et al. 2015 PMID: 25741868, with internal and published modifications).

Labcorp Genetics (formerly Invitae), Labcorp
Classification: Likely benign. Last evaluated: 2026-01-28. Review status: criteria provided, single submitter. Criteria: Invitae Variant Classification Sherloc (09022015). Collection method: clinical testing. Allele origin: germline.

Ambry Genetics
Classification: Uncertain significance. Last evaluated: 2025-08-28. Review status: criteria provided, single submitter. Criteria: Ambry Variant Classification Scheme 2023. Collection method: clinical testing. Allele origin: germline.
Comment: The p.R74T variant (also known as c.221G>C), located in coding exon 2 of the A2ML1 gene, results from a G to C substitution at nucleotide position 221. The arginine at codon 74 is replaced by threonine, an amino acid with similar properties. This amino acid position is conserved. In addition, this alteration is predicted to be tolerated by in silico analysis. Since supporting evidence is limited at this time, the clinical significance of this alteration remains unclear.

NM_144670.6(A2ML1):c.221G>C (p.Arg74Thr)

Genes: A2ML1 (alpha-2-macroglobulin like 1; plus strand), A2ML1-AS1 (A2ML1 antisense RNA 1; minus strand). Cytogenetic location: 12p13.31.
Variant type: single nucleotide variant.
Coding change: c.221G>C on transcript NM_144670.6 (MANE Select); coding-DNA position 221, G replaced by C.
Protein change: p.Arg74Thr; replaces arginine 74 with threonine.
Molecular consequence: missense variant.
Genome position (GRCh38, 1-based): chr12:8,823,340, G>C. VCF-style: chr12-8823340-G-C. GRCh37 (hg19) VCF-style: chr12-8975936-G-C.
Other names: c.221G>C (NM_144670.5); short protein forms R74T.
Identifiers: ClinVar variation 701512 (VCV000701512.17), dbSNP rs77657214, ClinGen allele CA6435193.
Genomic context (GRCh38, chr12:8,823,340, plus strand): 5'-TTACTCTGGAGACCAAGGACAAGACCCAGAAGTTGCTAGAATACTCTGGACTGAAGAAGA[G>C]GCACTTACATTGTATCTCCTTTCTTGTAAGCACAGACTCAGCCCTCACTCGAATCCCTTA-3'
Protein context (NP_653271.3, residues 64-84): KLLEYSGLKK[Arg74Thr]HLHCISFLVP